The following is an entry in ClinVar:

ClinVar aggregate classification (germline): Pathogenic (1 of 4 stars; one submission).

Conditions:
Ataxia-telangiectasia syndrome (AT). Also called: Cerebello-oculocutaneous telangiectasia; Immunodeficiency with ataxia telangiectasia; LOUIS-BAR SYNDROME; ATAXIA-TELANGIECTASIA, COMPLEMENTATION GROUP A; ATAXIA-TELANGIECTASIA, FRESNO VARIANT; Ataxia-telangiectasia, complementation group D. Identifiers: Orphanet 100, MedGen C0004135, MONDO:0008840, OMIM 208900.

Submission:

Labcorp Genetics (formerly Invitae), Labcorp
Classification: Pathogenic for Ataxia-telangiectasia syndrome. Last evaluated: 2022-06-19. Review status: criteria provided, single submitter. Criteria: Invitae Variant Classification Sherloc (09022015). Collection method: clinical testing. Allele origin: germline.
Comment: This variant has not been reported in the literature in individuals affected with ATM-related conditions. This variant is not present in population databases (gnomAD no frequency). This sequence change creates a premature translational stop signal (p.Phe168Serfs*9) in the ATM gene. It is expected to result in an absent or disrupted protein product. Loss-of-function variants in ATM are known to be pathogenic (PMID: 23807571, 25614872). Algorithms developed to predict the effect of sequence changes on RNA splicing suggest that this variant may disrupt the consensus splice site. For these reasons, this variant has been classified as Pathogenic.

Literature cited by the submitters: PubMed 23807571; PubMed 25614872.

NM_000051.4(ATM):c.503del (p.Phe168fs)

Gene: ATM (ATM serine/threonine kinase; plus strand). Cytogenetic location: 11q22.3.
Variant type: Deletion.
Coding change: c.503del on transcript NM_000051.4 (MANE Select); coding-DNA position 503, one base deleted (T; older notation c.503delT).
Protein change: p.Phe168fs; shifts the reading frame from phenylalanine 168.
Molecular consequence: frameshift variant.
Genome position (GRCh38, 1-based): chr11:108,243,959, T deleted; the last of 2 consecutive T bases (chr11:108,243,958-108,243,959); deleting either gives the same sequence. VCF-style (leftmost placement, unchanged base first): chr11-108243957-GT-G. GRCh37 (hg19) VCF-style: chr11-108114684-GT-G.
Other names: c.503del, p.Phe168fs (NM_001351834.2); short protein forms F168fs.
Identifiers: ClinVar variation 1379720 (VCV001379720.6), dbSNP rs2135221867, ClinGen allele CA2573146417.